The following is an entry in ClinVar:

ClinVar aggregate classification (germline): Pathogenic. Review status: criteria provided, multiple submitters, no conflicts (2 of 4 stars). 2 submissions from 2 submitters: Pathogenic (2). Last evaluated 2023-03-08.

Conditions:
Inborn genetic diseases. Identifiers: MedGen C0950123, MeSH D030342.
Congenital hyperammonemia, type I. Also called: Carbamoyl phosphate synthetase 1 deficiency; Hyperammonemia due to carbamoyl phosphate synthetase 1 deficiency; CPS 1 deficiency; Carbamyl phosphate synthetase (CPS) deficiency; Carbamoyl-phosphate synthase I deficiency; CPS I DEFICIENCY. Identifiers: Orphanet 147, MedGen C4082171, MONDO:0009376, OMIM 237300.

Submissions (2):

Labcorp Genetics (formerly Invitae), Labcorp
Classification: Pathogenic for Congenital hyperammonemia, type I. Last evaluated: 2023-03-08. Review status: criteria provided, single submitter. Criteria: Invitae Variant Classification Sherloc (09022015). Collection method: clinical testing. Allele origin: germline.
Comment: For these reasons, this variant has been classified as Pathogenic. ClinVar contains an entry for this variant (Variation ID: 2228643). This variant has not been reported in the literature in individuals affected with CPS1-related conditions. This variant is not present in population databases (gnomAD no frequency). This sequence change creates a premature translational stop signal (p.Cys644Valfs*37) in the CPS1 gene. It is expected to result in an absent or disrupted protein product. Loss-of-function variants in CPS1 are known to be pathogenic (PMID: 21120950).

Ambry Genetics
Classification: Pathogenic for Inborn genetic diseases. Last evaluated: 2021-01-28. Review status: criteria provided, single submitter. Criteria: Ambry Variant Classification Scheme 2023. Collection method: clinical testing. Allele origin: germline.
Comment: The c.1930delT (p.C644Vfs*37) alteration, located in coding exon 17 of the CPS1 gene, consists of a deletion of one nucleotide at position 1930, causing a translational frameshift with a predicted alternate stop codon after 37 amino acids. This alteration is expected to result in loss of function by premature protein truncation or nonsense-mediated mRNA decay. Based on the available evidence, this alteration is classified as pathogenic.

Literature cited by the submitters: PubMed 21120950 (cited by Labcorp Genetics (formerly Invitae), Labcorp).

NM_001875.5(CPS1):c.1930del (p.Cys644fs)

Gene: CPS1 (carbamoyl-phosphate synthase 1; plus strand). Cytogenetic location: 2q34.
Variant type: Deletion.
Coding change: c.1930del on transcript NM_001875.5 (MANE Select); coding-DNA position 1930, one base deleted (T; older notation c.1930delT).
Protein change: p.Cys644fs; shifts the reading frame from cysteine 644.
Molecular consequence: frameshift variant. On other transcripts: non-coding transcript variant (2).
Genome position (GRCh38, 1-based): chr2:210,605,195, T deleted; the last of 2 consecutive T bases (chr2:210,605,194-210,605,195); deleting either gives the same sequence. VCF-style (leftmost placement, unchanged base first): chr2-210605193-AT-A. GRCh37 (hg19) VCF-style: chr2-211469917-AT-A.
Other names: c.1930del, p.Cys644fs (NM_001122633.3, NM_001369257.1); c.1963del, p.Cys655fs (NM_001369256.1); short protein forms C644fs, C655fs.
Identifiers: ClinVar variation 2228643 (VCV002228643.5), dbSNP rs1698864575, ClinGen allele CA1325078637.